The following is an entry in ClinVar:

NM_006939.4(SOS2):c.1988A>G (p.Lys663Arg)

Gene: SOS2 (SOS Ras/Rho guanine nucleotide exchange factor 2; minus strand). Cytogenetic location: 14q21.3.
Variant type: single nucleotide variant.
Coding change: c.1988A>G on transcript NM_006939.4 (MANE Select); coding-DNA position 1988, A replaced by G.
Protein change: p.Lys663Arg; replaces lysine 663 with arginine.
Molecular consequence: missense variant.
Genome position (GRCh38, 1-based): chr14:50,157,068, T>C on the plus strand (A>G on the coding strand, the complement: SOS2 is on the minus strand). VCF-style: chr14-50157068-T-C. GRCh37 (hg19) VCF-style: chr14-50623786-T-C.
Other names: c.1889A>G, p.Lys630Arg (NM_001411020.1); short protein forms K630R, K663R.
Identifiers: ClinVar variation 3617187 (VCV003617187.4).
Genomic context (GRCh38, chr14:50,157,068, plus strand): 5'-ACTGGTTGGACATATTCCTTGCGAAATCTTTTAAGGTCTGCACTGATTGGCTGCTCGCCT[T>C]TCTCTATTGCCAATTTGTCTGCGTCAGTAGGTTCTGGCTCTGGAATTTCAAACCTAAGAA-3'
Protein context (NP_008870.2, residues 653-673): PTDADKLAIE[Lys663Arg]GEQPISADLK

ClinVar aggregate classification (germline): Uncertain significance. Review status: criteria provided, multiple submitters, no conflicts (2 of 4 stars). 2 submissions from 2 submitters: Uncertain significance (2). Last evaluated 2025-06-04.

Conditions:
Noonan syndrome 9 (NS9). Identifiers: Orphanet 648, MedGen C4225282, MONDO:0014691, OMIM 616559.

Submissions (2):

Dasa
Classification: Uncertain significance. Last evaluated: 2025-06-04. Review status: criteria provided, single submitter. Criteria: DASA Assertion Criteria. Collection method: clinical testing. Allele origin: germline.
Comment: NM_006939.4(SOS2):c.1988A>G (p.Lys663Arg) is a missense variant that results in the substitution of lysine with arginine. This variant is rare in population databases. Computational prediction algorithms are consistent with a benign effect. The currently available literature and clinical evidence are not sufficient to establish a definitive association between this variant and the reported condition. Therefore, this variant is classified as a variant of uncertain significance.

Labcorp Genetics (formerly Invitae), Labcorp
Classification: Uncertain significance for Noonan syndrome 9. Last evaluated: 2024-07-14. Review status: criteria provided, single submitter. Criteria: Invitae Variant Classification Sherloc (09022015). Collection method: clinical testing. Allele origin: germline.
Comment: This sequence change replaces lysine, which is basic and polar, with arginine, which is basic and polar, at codon 663 of the SOS2 protein (p.Lys663Arg). This variant is not present in population databases (gnomAD no frequency). This variant has not been reported in the literature in individuals affected with SOS2-related conditions. Advanced modeling of protein sequence and biophysical properties (such as structural, functional, and spatial information, amino acid conservation, physicochemical variation, residue mobility, and thermodynamic stability) performed at Invitae indicates that this missense variant is not expected to disrupt SOS2 protein function with a negative predictive value of 95%. In summary, the available evidence is currently insufficient to determine the role of this variant in disease. Therefore, it has been classified as a Variant of Uncertain Significance.